The following is an entry in ClinVar:

NM_005499.3(UBA2):c.1286T>C (p.Leu429Pro)

Gene: UBA2 (ubiquitin like modifier activating enzyme 2; plus strand). Cytogenetic location: 19q13.11.
Variant type: single nucleotide variant.
Coding change: c.1286T>C on transcript NM_005499.3 (MANE Select); coding-DNA position 1286, T replaced by C.
Protein change: p.Leu429Pro; replaces leucine 429 with proline.
Molecular consequence: missense variant.
Genome position (GRCh38, 1-based): chr19:34,458,809, T>C. VCF-style: chr19-34458809-T-C. GRCh37 (hg19) VCF-style: chr19-34949714-T-C.
Other names: c.998T>C, p.Leu333Pro (NM_001411139.1); short protein forms L333P, L429P.
Identifiers: ClinVar variation 3368708 (VCV003368708.1).
Genomic context (GRCh38, chr19:34,458,809, plus strand): 5'-CTGTTATTTCTCCTCCAAAGATTTTTTTGAATAAACAACCAAACCCAAGAAAGAAGCTTC[T>C]TGTGCCTTGTGCACTGGATCCTCCCAACCCCAATTGTTATGTATGTGCCAGCAAGCCAGA-3'
Protein context (NP_005490.1, residues 419-439): NKQPNPRKKL[Leu429Pro]VPCALDPPNP

ClinVar aggregate classification (germline): Uncertain significance (1 of 4 stars; one submission).

Submission:

GeneDx
Classification: Uncertain significance. Last evaluated: 2024-02-03. Review status: criteria provided, single submitter. Criteria: GeneDx Variant Classification Process June 2021. Collection method: clinical testing. Allele origin: germline. Affected: yes.
Comment: Not observed at significant frequency in large population cohorts (gnomAD); In silico analysis supports that this missense variant has a deleterious effect on protein structure/function; Has not been previously published as pathogenic or benign to our knowledge